The following is an entry in ClinVar:

NM_014191.4(SCN8A):c.619A>G (p.Ile207Val)

Gene: SCN8A (sodium voltage-gated channel alpha subunit 8; plus strand). Cytogenetic location: 12q13.13.
Variant type: single nucleotide variant.
Coding change: c.619A>G on transcript NM_014191.4 (MANE Plus Clinical); coding-DNA position 619, A replaced by G.
Protein change: p.Ile207Val; replaces isoleucine 207 with valine.
Molecular consequence: missense variant. On other transcripts: intron variant (2).
Genome position (GRCh38, 1-based): chr12:51,688,762, A>G. VCF-style: chr12-51688762-A-G. GRCh37 (hg19) VCF-style: chr12-52082546-A-G.
Other names: p.I207V:ATA>GTA; c.619A>G, p.Ile207Val (NM_001177984.3); c.615-243A>G (NM_001330260.2, NM_001369788.1); short protein forms I207V.
Identifiers: ClinVar variation 207145 (VCV000207145.14), dbSNP rs767123396, ClinGen allele CA318327.
Genomic context (GRCh38, chr12:51,688,762, plus strand): 5'-TCTCAAACCCTCGCCCAGTGGTACCATTACAAGTTAACTTTGGTTTGATTCTGCAGGTAT[A>G]TAACAGAGTTTGTAAACCTAGGCAATGTTTCAGCTCTACGCACTTTCAGGGTACTGAGGG-3'
Protein context (NP_055006.1, residues 197-217): LDFSVIMMAY[Ile207Val]TEFVNLGNVS

ClinVar aggregate classification (germline): Conflicting classifications of pathogenicity. Review status: criteria provided, conflicting classifications (1 of 4 stars). 3 submissions from 3 submitters: Uncertain significance (1); Likely benign (2). Last evaluated 2026-01-13.

Conditions:
Early-infantile DEE. Also called: Ohtahara syndrome; Early infantile epileptic encephalopathy; Early infantile epileptic encephalopathy with suppression bursts. Identifiers: Orphanet 1934, MedGen C0393706, MONDO:0800491.

Allele frequency attached by ClinVar (database versions not stated): ExAC 0.00002; gnomAD exomes 0.00002 and 0.00004; gnomAD 0.00003; TOPMed 0.00003.
gnomAD v4.1: 63 of 1,613,094 alleles (0.0039%); highest among the groups gnomAD compares: Non-Finnish European, 0.0053%; no homozygotes.

Submissions (3):

Labcorp Genetics (formerly Invitae), Labcorp
Classification: Uncertain significance for Early-infantile DEE. Last evaluated: 2026-01-13. Review status: criteria provided, single submitter. Criteria: Invitae Variant Classification Sherloc (09022015). Collection method: clinical testing. Allele origin: germline.
Comment: This sequence change replaces isoleucine, which is neutral and non-polar, with valine, which is neutral and non-polar, at codon 207 of the SCN8A protein (p.Ile207Val). This variant is present in population databases (rs767123396, gnomAD 0.006%). This variant has not been reported in the literature in individuals affected with SCN8A-related conditions. ClinVar contains an entry for this variant (Variation ID: 207145). Invitae Evidence Modeling of protein sequence and biophysical properties (such as structural, functional, and spatial information, amino acid conservation, physicochemical variation, residue mobility, and thermodynamic stability) indicates that this missense variant is not expected to disrupt SCN8A protein function with a negative predictive value of 95%. In summary, the available evidence is currently insufficient to determine the role of this variant in disease. Therefore, it has been classified as a Variant of Uncertain Significance.

Laboratory of Genetics, Children's Clinical University Hospital Latvia
Classification: Likely benign. Last evaluated: 2025-02-16. Review status: criteria provided, single submitter. Criteria: ACMG Guidelines, 2015. Collection method: clinical testing. Allele origin: germline. Affected: yes.

GeneDx
Classification: Likely benign. Last evaluated: 2021-03-17. Review status: criteria provided, single submitter. Criteria: GeneDx Variant Classification Process June 2021. Collection method: clinical testing. Allele origin: germline. Affected: yes.
Comment: This variant is associated with the following publications: (PMID: 9828131, 25937544)